The following is an entry in ClinVar:

ClinVar aggregate classification (germline): Uncertain significance. Review status: criteria provided, multiple submitters, no conflicts (2 of 4 stars). 4 submissions from 4 submitters: Uncertain significance (4). Last evaluated 2026-01-13.

Conditions:
Inborn genetic diseases. Identifiers: MedGen C0950123, MeSH D030342.
Achondrogenesis, type IA (ACG1A). Identifiers: Orphanet 932, Orphanet 93299, MedGen C0265273, MONDO:0008701, OMIM 200600.

Allele frequency attached by ClinVar (database versions not stated): TOPMed 0.00015; gnomAD exomes 0.00016 and 0.00041; gnomAD 0.00017; ExAC 0.00019; ESP Exome Variant Server 0.00023.
gnomAD v4.1: 620 of 1,613,784 alleles (0.038%); highest among the groups gnomAD compares: Non-Finnish European, 0.049%; no homozygotes.

Submissions (4):

Labcorp Genetics (formerly Invitae), Labcorp
Classification: Uncertain significance for Achondrogenesis, type IA. Last evaluated: 2026-01-13. Review status: criteria provided, single submitter. Criteria: Invitae Variant Classification Sherloc (09022015). Collection method: clinical testing. Allele origin: germline.
Comment: This sequence change replaces isoleucine, which is neutral and non-polar, with methionine, which is neutral and non-polar, at codon 1040 of the TRIP11 protein (p.Ile1040Met). This variant is present in population databases (rs150434192, gnomAD 0.03%). This variant has not been reported in the literature in individuals affected with TRIP11-related conditions. ClinVar contains an entry for this variant (Variation ID: 887692). Invitae Evidence Modeling of protein sequence and biophysical properties (such as structural, functional, and spatial information, amino acid conservation, physicochemical variation, residue mobility, and thermodynamic stability) indicates that this missense variant is not expected to disrupt TRIP11 protein function with a negative predictive value of 80%. In summary, the available evidence is currently insufficient to determine the role of this variant in disease. Therefore, it has been classified as a Variant of Uncertain Significance.

GeneDx
Classification: Uncertain significance. Last evaluated: 2025-12-03. Review status: criteria provided, single submitter. Criteria: GeneDx Variant Classification Process June 2021. Collection method: clinical testing. Allele origin: germline. Affected: yes.
Comment: In silico analysis suggests that this missense variant does not alter protein structure/function; Has not been previously published as pathogenic or benign to our knowledge

Ambry Genetics
Classification: Uncertain significance for Inborn genetic diseases. Last evaluated: 2024-03-07. Review status: criteria provided, single submitter. Criteria: Ambry Variant Classification Scheme 2023. Collection method: clinical testing. Allele origin: germline.

Illumina Laboratory Services, Illumina
Classification: Uncertain significance for Achondrogenesis, type IA. Last evaluated: 2018-01-13. Review status: criteria provided, single submitter. Criteria: ICSL Variant Classification Criteria 13 December 2019. Collection method: clinical testing. Allele origin: germline.

NM_004239.4(TRIP11):c.3120A>G (p.Ile1040Met)

Gene: TRIP11 (thyroid hormone receptor interactor 11; minus strand). Cytogenetic location: 14q32.12.
Variant type: single nucleotide variant.
Coding change: c.3120A>G on transcript NM_004239.4 (MANE Select); coding-DNA position 3120, A replaced by G.
Protein change: p.Ile1040Met; replaces isoleucine 1040 with methionine.
Molecular consequence: missense variant.
Genome position (GRCh38, 1-based): chr14:92,004,856, T>C on the plus strand (A>G on the coding strand, the complement: TRIP11 is on the minus strand). VCF-style: chr14-92004856-T-C. GRCh37 (hg19) VCF-style: chr14-92471200-T-C.
Other names: c.3117A>G, p.Ile1039Met (NM_001321851.1); short protein forms I1040M, I1039M.
Identifiers: ClinVar variation 887692 (VCV000887692.12), dbSNP rs150434192, ClinGen allele CA7313680.
Genomic context (GRCh38, chr14:92,004,856, plus strand): 5'-AATCTGAGTTAGTTTACCAACTTCATCTTTGGACAACTGATCAATCTGTTTAGTTAAAGA[T>C]ATATTCTTTTCATTTAGAAGTTTAATCTCCAGTTCTCGCTCTTTTATTCCTTTCACTAAT-3'
Protein context (NP_004230.2, residues 1030-1050): LEIKLLNEKN[Ile1040Met]SLTKQIDQLS